The following is an entry in ClinVar:

ClinVar aggregate classification (germline): Uncertain significance. Review status: criteria provided, multiple submitters, no conflicts (2 of 4 stars). 2 submissions from 2 submitters: Uncertain significance (2). Last evaluated 2020-01-03.

Conditions:
Cardiovascular phenotype. Identifiers: MedGen CN230736.

Allele frequency attached by ClinVar (database versions not stated): gnomAD exomes below 0.00001; TOPMed below 0.00001; gnomAD 0.00001.
gnomAD v4.1: 4 of 1,613,172 alleles (0.00025%); highest among the groups gnomAD compares: African/African-American, 0.004%; no homozygotes.

Submissions (2):

GeneDx
Classification: Uncertain significance. Last evaluated: 2020-01-03. Review status: criteria provided, single submitter. Criteria: GeneDx Variant Classification Process June 2021. Collection method: clinical testing. Allele origin: germline. Affected: yes.
Comment: Not observed at a significant frequency in large population cohorts (Lek et al., 2016); Missense variant in a gene in which most reported pathogenic variants are truncating/loss-of-function; Has not been previously published as pathogenic or benign to our knowledge

Ambry Genetics
Classification: Uncertain significance for Cardiovascular phenotype. Last evaluated: 2016-01-22. Review status: criteria provided, single submitter. Criteria: Ambry Variant Classification Scheme 2023. Collection method: clinical testing. Allele origin: germline.
Comment: The p.R15807K variant (also known as c.47420G>A), located in coding exon 153 of the TTN gene, results from a G to A substitution at nucleotide position 47420. The arginine at codon 15807 is replaced by lysine, an amino acid with highly similar properties. This variant was not reported in population based cohorts in the following databases: Database of Single Nucleotide Polymorphisms (dbSNP), NHLBI Exome Sequencing Project (ESP), and 1000 Genomes Project. In the ESP, this variant was not observed in 6020 samples (12040 alleles) with coverage at this position. This amino acid position is well conserved in available vertebrate species; however, lysine is the reference amino acid in other vertebrate species. In addition, this alteration is predicted to be tolerated by in silico analysis. Since supporting evidence is limited at this time, the clinical significance of this alteration remains unclear.

NM_001267550.2(TTN):c.74615G>A (p.Arg24872Lys)

Genes: TTN (titin; minus strand), TTN-AS1 (TTN antisense RNA 1; plus strand). Cytogenetic location: 2q31.2.
Variant type: single nucleotide variant.
Coding change: c.74615G>A on transcript NM_001267550.2 (MANE Select); coding-DNA position 74615, G replaced by A.
Protein change: p.Arg24872Lys; replaces arginine 24872 with lysine.
Molecular consequence: missense variant.
Genome position (GRCh38, 1-based): chr2:178,571,517, C>T on the plus strand (G>A on the coding strand, the complement: TTN is on the minus strand). VCF-style: chr2-178571517-C-T. GRCh37 (hg19) VCF-style: chr2-179436244-C-T.
Other names: c.69692G>A, p.Arg23231Lys (NM_001256850.1); c.47420G>A, p.Arg15807Lys (NM_003319.4); c.66911G>A, p.Arg22304Lys (NM_133378.4); c.47795G>A, p.Arg15932Lys (NM_133432.3); c.47996G>A, p.Arg15999Lys (NM_133437.4); short protein forms R15807K, R24872K, R15999K, R23231K, R15932K, R22304K.
Identifiers: ClinVar variation 518892 (VCV000518892.7), dbSNP rs923165795, ClinGen allele CA60997060.